The following is an entry in ClinVar:

ClinVar aggregate classification (germline): Pathogenic (1 of 4 stars; one submission).

Submission:

GeneDx
Classification: Pathogenic. Last evaluated: 2018-10-16. Review status: criteria provided, single submitter. Criteria: GeneDx Variant Classification (06012015). Collection method: clinical testing. Allele origin: germline. Affected: yes.
Comment: The Q125X nonsense variant has not been published as a germline variant to our knowledge, and has only been observed as a somatic variant in a melanoma sample (Cronin et al., 2009). It is predicted to cause loss of normal protein function either through protein truncation or nonsense-mediated mRNA decay. The variant is not observed in large population cohorts (Lek et al., 2016). We consider this variant to be pathogenic.

NM_006941.4(SOX10):c.373C>T (p.Gln125Ter)

Genes: POLR2F (RNA polymerase II, I and III subunit F; plus strand), SOX10 (SRY-box transcription factor 10; minus strand). Cytogenetic location: 22q13.1.
Variant type: single nucleotide variant.
Coding change: c.373C>T on transcript NM_006941.4 (MANE Select); coding-DNA position 373, C replaced by T.
Protein change: p.Gln125Ter; replaces glutamine 125 with a stop codon.
Molecular consequence: nonsense. On other transcripts: intron variant (3).
Genome position (GRCh38, 1-based): chr22:37,983,412, G>A on the plus strand (C>T on the coding strand, the complement: SOX10 is on the minus strand). VCF-style: chr22-37983412-G-A. GRCh37 (hg19) VCF-style: chr22-38379419-G-A.
Other names: c.294-2742G>A (NM_001301130.2); c.293+16242G>A (NM_001301131.2); c.*38+11102G>A (NM_001363825.1); short protein forms Q125*.
Identifiers: ClinVar variation 620370 (VCV000620370.3), dbSNP rs1569171175, ClinGen allele CA411500263.